The following is an entry in ClinVar:

NM_001148.6(ANK2):c.3379+205T>C

Gene: ANK2 (ankyrin 2; plus strand). Cytogenetic location: 4q26.
Variant type: single nucleotide variant.
Coding change: c.3379+205T>C on transcript NM_001148.6 (MANE Select); 205 bases into the intron after coding-DNA position 3379, T replaced by C.
Molecular consequence: intron variant.
Genome position (GRCh38, 1-based): chr4:113,333,413, T>C. VCF-style: chr4-113333413-T-C. GRCh37 (hg19) VCF-style: chr4-114254569-T-C.
Other names: c.3364+205T>C (NM_001386186.2, NM_001386148.2); c.3166+205T>C (NM_001354269.3); c.3244+205T>C (NM_001386187.2); c.3238+205T>C (NM_001386147.1, NM_001354261.2); c.3223+205T>C (NM_001386160.1); c.3328+205T>C (NM_001354254.2); c.3349+205T>C (NM_001354239.2, NM_001354252.2); c.3250+205T>C (NM_001354272.2); and 28 more.
Identifiers: ClinVar variation 672184 (VCV000672184.1), dbSNP rs17045935, ClinGen allele CA103824866.
Genomic context (GRCh38, chr4:113,333,413, plus strand): 5'-GCAGGTAATCTGCTTTGCTCCTGTAGTGATGAGTTGGAATGCACAATACTTTTGCTTAAT[T>C]TTACTCCTGTTACATTCAGGAAAATAAAAGCCTTGAAGATATCAAACATCTCATTAAAGA-3'

ClinVar aggregate classification (germline): Benign (1 of 4 stars; one submission).

Allele frequency attached by ClinVar (database versions not stated): gnomAD 0.24330 and 0.25162; TOPMed 0.26539; 1000 Genomes Project 0.28095; 1000 Genomes Project 30x 0.29528.
gnomAD v4.1: 36,694 of 151,898 alleles (24%); highest among the groups gnomAD compares: African/African-American, 59%; 8,106 homozygotes.

Submission:

GeneDx
Classification: Benign. Last evaluated: 2018-06-19. Review status: criteria provided, single submitter. Criteria: GeneDx Variant Classification (06012015). Collection method: clinical testing. Allele origin: germline. Affected: yes.
Comment: This variant is considered likely benign or benign based on one or more of the following criteria: it is a conservative change, it occurs at a poorly conserved position in the protein, it is predicted to be benign by multiple in silico algorithms, and/or has population frequency not consistent with disease.